The following is an entry in ClinVar:

ClinVar aggregate classification (germline): Uncertain significance. Review status: criteria provided, multiple submitters, no conflicts (2 of 4 stars). 2 submissions from 2 submitters: Uncertain significance (2). Last evaluated 2024-05-05.

Conditions:
Hereditary cancer-predisposing syndrome. Also called: Tumor predisposition; Hereditary neoplastic syndrome; Neoplastic Syndromes, Hereditary; Hereditary Cancer Syndrome. Identifiers: Orphanet 140162, MedGen C0027672, MeSH D009386, MONDO:0015356.

Allele frequency attached by ClinVar (database versions not stated): gnomAD 0.00001; 1000 Genomes Project 0.00040; 1000 Genomes Project 30x 0.00047.
gnomAD v4.1: 4 of 1,613,780 alleles (0.00025%); highest among the groups gnomAD compares: South Asian, 0.0044%; 1 homozygote.

Submissions (2):

Ambry Genetics
Classification: Uncertain significance for Hereditary cancer-predisposing syndrome. Last evaluated: 2024-05-05. Review status: criteria provided, single submitter. Criteria: Ambry Variant Classification Scheme 2023. Collection method: clinical testing. Allele origin: germline.
Comment: The p.H363Y variant (also known as c.1087C>T), located in coding exon 8 of the RAD50 gene, results from a C to T substitution at nucleotide position 1087. The histidine at codon 363 is replaced by tyrosine, an amino acid with similar properties. This amino acid position is conserved. In addition, this alteration is predicted to be tolerated by in silico analysis. Based on the available evidence, the clinical significance of this variant remains unclear.

Labcorp Genetics (formerly Invitae), Labcorp
Classification: Uncertain significance for Hereditary cancer-predisposing syndrome. Last evaluated: 2022-02-18. Review status: criteria provided, single submitter. Criteria: Invitae Variant Classification Sherloc (09022015). Collection method: clinical testing. Allele origin: germline.
Comment: This variant has not been reported in the literature in individuals affected with RAD50-related conditions. In summary, the available evidence is currently insufficient to determine the role of this variant in disease. Therefore, it has been classified as a Variant of Uncertain Significance. Algorithms developed to predict the effect of missense changes on protein structure and function (SIFT, PolyPhen-2, Align-GVGD) all suggest that this variant is likely to be tolerated. ClinVar contains an entry for this variant (Variation ID: 1008806). This variant is present in population databases (rs556301488, gnomAD 0.006%). This sequence change replaces histidine, which is basic and polar, with tyrosine, which is neutral and polar, at codon 363 of the RAD50 protein (p.His363Tyr).

NM_005732.4(RAD50):c.1087C>T (p.His363Tyr)

Gene: RAD50 (RAD50 double strand break repair protein; plus strand). Cytogenetic location: 5q31.1.
Variant type: single nucleotide variant.
Coding change: c.1087C>T on transcript NM_005732.4 (MANE Select); coding-DNA position 1087, C replaced by T.
Protein change: p.His363Tyr; replaces histidine 363 with tyrosine.
Molecular consequence: missense variant.
Genome position (GRCh38, 1-based): chr5:132,588,722, C>T. VCF-style: chr5-132588722-C-T. GRCh37 (hg19) VCF-style: chr5-131924414-C-T.
Other names: c.1087C>T (NM_005732.3); short protein forms H363Y.
Identifiers: ClinVar variation 1008806 (VCV001008806.10), dbSNP rs556301488, ClinGen allele CA3405111.